The following is an entry in ClinVar:

NM_018136.5(ASPM):c.10346G>T (p.Trp3449Leu)

Gene: ASPM (assembly factor for spindle microtubules; minus strand). Cytogenetic location: 1q31.3.
Variant type: single nucleotide variant.
Coding change: c.10346G>T on transcript NM_018136.5 (MANE Select); coding-DNA position 10346, G replaced by T.
Protein change: p.Trp3449Leu; replaces tryptophan 3449 with leucine.
Molecular consequence: missense variant.
Genome position (GRCh38, 1-based): chr1:197,084,412, C>A on the plus strand (G>T on the coding strand, the complement: ASPM is on the minus strand). VCF-style: chr1-197084412-C-A. GRCh37 (hg19) VCF-style: chr1-197053542-C-A.
Other names: c.5591G>T, p.Trp1864Leu (NM_001206846.2); short protein forms W3449L, W1864L.
Identifiers: ClinVar variation 2850270 (VCV002850270.2), dbSNP rs1375813973, ClinGen allele CA343994769.

ClinVar aggregate classification (germline): Uncertain significance (1 of 4 stars; one submission).

Allele frequency attached by ClinVar (database versions not stated): gnomAD exomes below 0.00001; gnomAD 0.00001.
gnomAD v4.1: 9 of 1,602,372 alleles (0.00056%); highest among the groups gnomAD compares: Non-Finnish European, 0.00068%; no homozygotes.

Submission:

Labcorp Genetics (formerly Invitae), Labcorp
Classification: Uncertain significance. Last evaluated: 2023-07-27. Review status: criteria provided, single submitter. Criteria: Invitae Variant Classification Sherloc (09022015). Collection method: clinical testing. Allele origin: germline.
Comment: In summary, the available evidence is currently insufficient to determine the role of this variant in disease. Therefore, it has been classified as a Variant of Uncertain Significance. An algorithm developed to predict the effect of missense changes on protein structure and function (PolyPhen-2) suggests that this variant is likely to be disruptive. This variant has not been reported in the literature in individuals affected with ASPM-related conditions. This variant is not present in population databases (gnomAD no frequency). This sequence change replaces tryptophan, which is neutral and slightly polar, with leucine, which is neutral and non-polar, at codon 3449 of the ASPM protein (p.Trp3449Leu).